The following is an entry in ClinVar:

ClinVar aggregate classification (germline): Uncertain significance (1 of 4 stars; one submission).

Conditions:
DNA ligase IV deficiency. Identifiers: Orphanet 99812, MedGen C1847827, MONDO:0011686, OMIM 606593.

Allele frequency attached by ClinVar (database versions not stated): TOPMed below 0.00001; gnomAD 0.00001.
gnomAD v4.1: 3 of 1,613,818 alleles (0.00019%); highest among the groups gnomAD compares: Non-Finnish European, 0.00025%; no homozygotes.

Submission:

Labcorp Genetics (formerly Invitae), Labcorp
Classification: Uncertain significance for DNA ligase IV deficiency. Last evaluated: 2021-08-31. Review status: criteria provided, single submitter. Criteria: Invitae Variant Classification Sherloc (09022015). Collection method: clinical testing. Allele origin: germline.
Comment: This sequence change replaces aspartic acid with asparagine at codon 165 of the LIG4 protein (p.Asp165Asn). The aspartic acid residue is moderately conserved and there is a small physicochemical difference between aspartic acid and asparagine. This variant is not present in population databases (ExAC no frequency). This variant has not been reported in the literature in individuals affected with LIG4-related conditions. Algorithms developed to predict the effect of missense changes on protein structure and function output the following: SIFT: "Tolerated"; PolyPhen-2: "Benign"; Align-GVGD: "Class C0". The asparagine amino acid residue is found in multiple mammalian species, which suggests that this missense change does not adversely affect protein function. In summary, the available evidence is currently insufficient to determine the role of this variant in disease. Therefore, it has been classified as a Variant of Uncertain Significance.

NM_206937.2(LIG4):c.493G>A (p.Asp165Asn)

Gene: LIG4 (DNA ligase 4; minus strand). Cytogenetic location: 13q33.3.
Variant type: single nucleotide variant.
Coding change: c.493G>A on transcript NM_206937.2 (MANE Select); coding-DNA position 493, G replaced by A.
Protein change: p.Asp165Asn; replaces aspartic acid 165 with asparagine.
Molecular consequence: missense variant.
Genome position (GRCh38, 1-based): chr13:108,210,776, C>T on the plus strand (G>A on the coding strand, the complement: LIG4 is on the minus strand). VCF-style: chr13-108210776-C-T. GRCh37 (hg19) VCF-style: chr13-108863124-C-T.
Other names: c.493G>A, p.Asp165Asn (NM_001098268.2, NM_001352598.2, NM_001352599.2 and 6 more transcripts); c.292G>A, p.Asp98Asn (NM_001330595.2); c.529G>A, p.Asp177Asn (NM_001352604.2); short protein forms D165N, D177N, D98N.
Identifiers: ClinVar variation 649503 (VCV000649503.6), dbSNP rs1187318427, ClinGen allele CA388622405.